The following is an entry in ClinVar:

NM_020831.6(MRTFA):c.1649C>T (p.Thr550Met)

Gene: MRTFA (myocardin related transcription factor A; minus strand). Cytogenetic location: 22q13.1.
Variant type: single nucleotide variant.
Coding change: c.1649C>T on transcript NM_020831.6 (MANE Select); coding-DNA position 1649, C replaced by T.
Protein change: p.Thr550Met; replaces threonine 550 with methionine.
Molecular consequence: missense variant.
Genome position (GRCh38, 1-based): chr22:40,419,089, G>A on the plus strand (C>T on the coding strand, the complement: MRTFA is on the minus strand). VCF-style: chr22-40419089-G-A. GRCh37 (hg19) VCF-style: chr22-40815093-G-A.
Other names: c.1349C>T, p.Thr450Met (NM_001282660.2); c.1499C>T, p.Thr500Met (NM_001282661.3); c.1649C>T, p.Thr550Met (NM_001282662.3); c.1454C>T, p.Thr485Met (NM_001318139.2); c.1349C>T (NM_020831.3); short protein forms T450M, T485M, T500M, T550M.
Identifiers: ClinVar variation 1683062 (VCV001683062.7), dbSNP rs757522554, ClinGen allele CA10249613.

ClinVar aggregate classification (germline): Uncertain significance. Review status: criteria provided, multiple submitters, no conflicts (2 of 4 stars). 2 submissions from 2 submitters: Uncertain significance (2). Last evaluated 2025-09-15.

Allele frequency attached by ClinVar (database versions not stated): gnomAD 0.00003; TOPMed 0.00003; ExAC 0.00008.
gnomAD v4.1: 51 of 1,600,030 alleles (0.0032%); highest among the groups gnomAD compares: Non-Finnish European, 0.0037%; no homozygotes.

Submissions (2):

Labcorp Genetics (formerly Invitae), Labcorp
Classification: Uncertain significance. Last evaluated: 2025-09-15. Review status: criteria provided, single submitter. Criteria: Invitae Variant Classification Sherloc (09022015). Collection method: clinical testing. Allele origin: germline.
Comment: This sequence change replaces threonine, which is neutral and polar, with methionine, which is neutral and non-polar, at codon 450 of the MKL1 protein (p.Thr450Met). This variant is present in population databases (rs757522554, gnomAD 0.01%). This variant has not been reported in the literature in individuals affected with MKL1-related conditions. ClinVar contains an entry for this variant (Variation ID: 1683062). An algorithm developed to predict the effect of missense changes on protein structure and function (PolyPhen-2) suggests that this variant is likely to be disruptive. In summary, the available evidence is currently insufficient to determine the role of this variant in disease. Therefore, it has been classified as a Variant of Uncertain Significance.

Ambry Genetics
Classification: Uncertain significance. Last evaluated: 2025-02-24. Review status: criteria provided, single submitter. Criteria: Ambry Variant Classification Scheme 2023. Collection method: clinical testing. Allele origin: germline.